The following is an entry in ClinVar:

ClinVar aggregate classification (germline): Uncertain significance (1 of 4 stars; one submission).

Conditions:
Cohen syndrome (COH1). Also called: PEPPER SYNDROME; Cutis verticis gyrata, retinitis pigmentosa, and sensorineural deafness. Identifiers: Orphanet 193, MedGen C0265223, MONDO:0008999, OMIM 216550.

gnomAD v4.1: 5 of 1,613,384 alleles (0.00031%); highest among the groups gnomAD compares: Non-Finnish European, 0.00042%; no homozygotes.

Submission:

Labcorp Genetics (formerly Invitae), Labcorp
Classification: Uncertain significance for Cohen syndrome. Last evaluated: 2024-08-07. Review status: criteria provided, single submitter. Criteria: Invitae Variant Classification Sherloc (09022015). Collection method: clinical testing. Allele origin: germline.
Comment: This sequence change replaces threonine, which is neutral and polar, with serine, which is neutral and polar, at codon 547 of the VPS13B protein (p.Thr547Ser). This variant is present in population databases (rs765362472, gnomAD 0.003%). This variant has not been reported in the literature in individuals affected with VPS13B-related conditions. Advanced modeling of protein sequence and biophysical properties (such as structural, functional, and spatial information, amino acid conservation, physicochemical variation, residue mobility, and thermodynamic stability) performed at Invitae indicates that this missense variant is not expected to disrupt VPS13B protein function with a negative predictive value of 80%. In summary, the available evidence is currently insufficient to determine the role of this variant in disease. Therefore, it has been classified as a Variant of Uncertain Significance.

NM_152564.5(VPS13B):c.1640C>G (p.Thr547Ser)

Gene: VPS13B (vacuolar protein sorting 13 homolog B; plus strand). Cytogenetic location: 8q22.2.
Variant type: single nucleotide variant.
Coding change: c.1640C>G on transcript NM_152564.5 (MANE Select); coding-DNA position 1640, C replaced by G.
Protein change: p.Thr547Ser; replaces threonine 547 with serine.
Molecular consequence: missense variant.
Genome position (GRCh38, 1-based): chr8:99,136,741, C>G. VCF-style: chr8-99136741-C-G. GRCh37 (hg19) VCF-style: chr8-100148969-C-G.
Other names: c.1640C>G, p.Thr547Ser (NM_015243.3, NM_017890.5); short protein forms T547S.
Identifiers: ClinVar variation 3666097 (VCV003666097.2).
Genomic context (GRCh38, chr8:99,136,741, plus strand): 5'-TAGCTGGAATGCAACGGTTTGGGGCTTTTTATATGGATTACCTGTATACAATGGAGAACA[C>G]TAGTGGCAAAGGTATTGGCTTCTTTCCTTTATGTGTGCCATTTCTTGAACAACTGAAACA-3'
Protein context (NP_689777.3, residues 537-557): YMDYLYTMEN[Thr547Ser]SGKGSTNQQD